The following is an entry in ClinVar:

ClinVar aggregate classification (germline): Uncertain significance (1 of 4 stars; one submission).

Conditions:
THPO-related disorder. Also called: THPO-related condition.

gnomAD v4.1: 7 of 1,614,066 alleles (0.00043%); highest among the groups gnomAD compares: African/African-American, 0.004%; no homozygotes.

Submission:

PreventionGenetics, part of Exact Sciences
Classification: Uncertain significance for THPO-related condition. Last evaluated: 2024-10-25. Review status: criteria provided, single submitter. Criteria: ACMG Guidelines, 2015. Collection method: clinical testing. Allele origin: germline.
Comment: The THPO c.394C>G variant is predicted to result in the amino acid substitution p.Pro132Ala. To our knowledge, this variant has not been reported in the literature. This variant is reported in 0.0065% of alleles in individuals of European (Non-Finnish) descent in gnomAD. This variant is also known as a pre-coding variant c.-27C>G on an alternate transcript NM_000460. At this time, the clinical significance of this variant is uncertain due to the absence of conclusive functional and genetic evidence.

NM_000460.4(THPO):c.-27C>G

Gene: THPO (thrombopoietin; minus strand). Cytogenetic location: 3q27.1.
Variant type: single nucleotide variant.
Coding change: c.-27C>G on transcript NM_000460.4 (MANE Select); 27 bases upstream of the start codon, C replaced by G.
Molecular consequence: 5 prime UTR variant. On other transcripts: missense variant (1).
Genome position (GRCh38, 1-based): chr3:184,376,286, G>C on the plus strand (C>G on the coding strand, the complement: THPO is on the minus strand). VCF-style: chr3-184376286-G-C. GRCh37 (hg19) VCF-style: chr3-184094074-G-C.
Other names: c.-27C>G (NM_001177597.2, NM_001177598.2, NM_001289997.1 and 5 more transcripts); c.394C>G, p.Pro132Ala (NM_001290003.1); short protein forms P132A.
Identifiers: ClinVar variation 4989258 (VCV004989258.1).